The following is an entry in ClinVar:

ClinVar aggregate classification (germline): Uncertain significance. Review status: criteria provided, multiple submitters, no conflicts (2 of 4 stars). 3 submissions from 3 submitters: Uncertain significance (2). 1 of the submissions does not count toward it. Last evaluated 2022-07-16.

Conditions:
OPTIC ATROPHY 9, AUTOSOMAL RECESSIVE.

Allele frequency attached by ClinVar (database versions not stated): gnomAD exomes below 0.00001.
gnomAD v4.1: 3 of 1,613,888 alleles (0.00019%); highest among the groups gnomAD compares: South Asian, 0.0011%; no homozygotes.

Submissions (3):

Labcorp Genetics (formerly Invitae), Labcorp
Classification: Uncertain significance. Last evaluated: 2022-07-16. Review status: criteria provided, single submitter. Criteria: Invitae Variant Classification Sherloc (09022015). Collection method: clinical testing. Allele origin: germline.
Comment: This sequence change replaces valine, which is neutral and non-polar, with methionine, which is neutral and non-polar, at codon 632 of the ACO2 protein (p.Val632Met). This variant is not present in population databases (gnomAD no frequency). This missense change has been observed in individual(s) with optic atrophy (PMID: 32449285). ClinVar contains an entry for this variant (Variation ID: 830372). Advanced modeling of protein sequence and biophysical properties (such as structural, functional, and spatial information, amino acid conservation, physicochemical variation, residue mobility, and thermodynamic stability) performed at Invitae indicates that this missense variant is expected to disrupt ACO2 protein function. In summary, the available evidence is currently insufficient to determine the role of this variant in disease. Therefore, it has been classified as a Variant of Uncertain Significance.

Blueprint Genetics
Classification: Uncertain significance. Last evaluated: 2018-11-19. Review status: criteria provided, single submitter. Criteria: ACMG Guidelines, 2015. Collection method: clinical testing. Allele origin: germline.

OMIM
Classification: Pathogenic for OPTIC ATROPHY 9, AUTOSOMAL RECESSIVE. Last evaluated: 2022-10-19. Review status: no assertion criteria provided. Collection method: literature only. Allele origin: germline. Not counted in ClinVar's aggregate classification.

Literature cited by the submitters: PubMed 32449285 (cited by Labcorp Genetics (formerly Invitae), Labcorp and OMIM).

NM_001098.3(ACO2):c.1894G>A (p.Val632Met)

Genes: ACO2 (aconitase 2; plus strand), POLR3H (RNA polymerase III subunit H; minus strand). Cytogenetic location: 22q13.2.
Variant type: single nucleotide variant.
Coding change: c.1894G>A on transcript NM_001098.3 (MANE Select); coding-DNA position 1894, G replaced by A.
Protein change: p.Val632Met; replaces valine 632 with methionine.
Molecular consequence: missense variant. On other transcripts: 3 prime UTR variant (5).
Genome position (GRCh38, 1-based): chr22:41,526,394, G>A. VCF-style: chr22-41526394-G-A. GRCh37 (hg19) VCF-style: chr22-41922398-G-A.
Other names: c.*2889C>T (NM_001018050.4, NM_001018052.4, NM_001282884.2 and 2 more transcripts); short protein forms V632M.
Identifiers: ClinVar variation 830372 (VCV000830372.8), dbSNP rs1601933371, ClinGen allele CA411728578.